The following is an entry in ClinVar:

NM_001079668.3(NKX2-1):c.727C>T (p.Arg243Cys)

Genes: SFTA3 (surfactant associated 3; minus strand), NKX2-1 (NK2 homeobox 1; minus strand). Cytogenetic location: 14q13.3.
Variant type: single nucleotide variant.
Coding change: c.727C>T on transcript NM_001079668.3 (MANE Select); coding-DNA position 727, C replaced by T.
Protein change: p.Arg243Cys; replaces arginine 243 with cysteine.
Molecular consequence: missense variant.
Genome position (GRCh38, 1-based): chr14:36,517,757, G>A on the plus strand (C>T on the coding strand, the complement: NKX2-1 is on the minus strand). VCF-style: chr14-36517757-G-A. GRCh37 (hg19) VCF-style: chr14-36986962-G-A.
Other names: c.637C>T, p.Arg213Cys (NM_003317.4); short protein forms R213C, R243C.
Identifiers: ClinVar variation 1204589 (VCV001204589.12), dbSNP rs28936671, ClinGen allele CA389459177.

ClinVar aggregate classification (germline): Pathogenic/Likely pathogenic. Review status: criteria provided, multiple submitters, no conflicts (2 of 4 stars). 3 submissions from 3 submitters: Pathogenic (2); Likely pathogenic (1). Last evaluated 2023-04-12.

Conditions:
Brain-lung-thyroid syndrome. Also called: Choreoathetosis, Congenital Hypothyroidism, and Neonatal Respiratory Distress Syndrome (Brain-Lung-Thyroid Syndrome); Choreoathetosis, congenital hypothyroidism, and neonatal respiratory distress; CHOREOATHETOSIS AND CONGENITAL HYPOTHYROIDISM WITH PULMONARY DYSFUNCTION. Identifiers: Orphanet 209905, MedGen C1970269, MONDO:0012593, OMIM 610978.

Submissions (3):

Labcorp Genetics (formerly Invitae), Labcorp
Classification: Pathogenic. Last evaluated: 2023-04-12. Review status: criteria provided, single submitter. Criteria: Invitae Variant Classification Sherloc (09022015). Collection method: clinical testing. Allele origin: germline.
Comment: This sequence change replaces arginine, which is basic and polar, with cysteine, which is neutral and slightly polar, at codon 243 of the NKX2-1 protein (p.Arg243Cys). This variant is not present in population databases (gnomAD no frequency). This missense change has been observed in individuals with clinical features of choreoathetosis and congenital hypothyroidism (PMID: 26640963; Invitae). It has also been observed to segregate with disease in related individuals. ClinVar contains an entry for this variant (Variation ID: 1204589). An algorithm developed to predict the effect of missense changes on protein structure and function (PolyPhen-2) suggests that this variant is likely to be disruptive. This variant disrupts the p.Arg243 amino acid residue in NKX2-1. Other variant(s) that disrupt this residue have been determined to be pathogenic (Invitae). This suggests that this residue is clinically significant, and that variants that disrupt this residue are likely to be disease-causing. For these reasons, this variant has been classified as Pathogenic.

GeneDx
Classification: Pathogenic. Last evaluated: 2022-05-26. Review status: criteria provided, single submitter. Criteria: GeneDx Variant Classification Process June 2021. Collection method: clinical testing. Allele origin: germline. Affected: yes.
Comment: Not observed at significant frequency in large population cohorts (gnomAD); In silico analysis supports that this missense variant has a deleterious effect on protein structure/function; This variant is associated with the following publications: (PMID: 26640963)

Dubai Health Genomic Medicine Center, Dubai Health
Classification: Likely pathogenic for Brain-lung-thyroid syndrome. Last evaluated: 2021-02-25. Review status: criteria provided, single submitter. Criteria: ACMG Guidelines, 2015. Collection method: clinical testing. Allele origin: germline. Affected: yes.
Comment: The p.Arg243Cys missense variant in NKX2-1 has been previously reported in the heterozygous state in one patient with benign hereditary chorea. Segregation analysis showed that this variant was present in another affected family member but was absent from two other unaffected members in thsi family (PMID: 26640963). This variant and was absent from large population studies such as the Genome Aggregation Database (gnomAD) and the Greater Middle East (GME) variome database. The Arg243 residue is highly consevred and at least 4 other missense variants at the same position (Arg243H Arg243P Arg243S) have been reported in patients with benign hereditary chorea in the Human Gene Mutation Database (HGMD). Finally computational prediction tools and conservation analyses suggest this variant may impact the protein function. In summary this variant meets our criteria to be classified as likely pathogenic.

Literature cited by the submitters: PubMed 26640963 (cited by Labcorp Genetics (formerly Invitae), Labcorp).